The following is an entry in ClinVar:

ClinVar aggregate classification (germline): Uncertain significance (1 of 4 stars; one submission).

Conditions:
Charcot-Marie-Tooth disease, type I (CMT1). Also called: Charcot-Marie-Tooth, Type 1; Charcot-Marie-Tooth disease type 1. Identifiers: Orphanet 65753, MedGen C0751036, MONDO:0019011.

Submission:

Labcorp Genetics (formerly Invitae), Labcorp
Classification: Uncertain significance for Charcot-Marie-Tooth disease, type I. Last evaluated: 2024-05-22. Review status: criteria provided, single submitter. Criteria: Invitae Variant Classification Sherloc (09022015). Collection method: clinical testing. Allele origin: germline.
Comment: This sequence change replaces proline, which is neutral and non-polar, with leucine, which is neutral and non-polar, at codon 205 of the MPZ protein (p.Pro205Leu). This variant is not present in population databases (gnomAD no frequency). This variant has not been reported in the literature in individuals affected with MPZ-related conditions. Algorithms developed to predict the effect of missense changes on protein structure and function output the following: SIFT: "Not Available"; PolyPhen-2: "Benign"; Align-GVGD: "Not Available". The leucine amino acid residue is found in multiple mammalian species, which suggests that this missense change does not adversely affect protein function. In summary, the available evidence is currently insufficient to determine the role of this variant in disease. Therefore, it has been classified as a Variant of Uncertain Significance.

NM_000530.8(MPZ):c.614C>T (p.Pro205Leu)

Gene: MPZ (myelin protein zero; minus strand). Cytogenetic location: 1q23.3.
Variant type: single nucleotide variant.
Coding change: c.614C>T on transcript NM_000530.8 (MANE Select); coding-DNA position 614, C replaced by T.
Protein change: p.Pro205Leu; replaces proline 205 with leucine.
Molecular consequence: missense variant.
Genome position (GRCh38, 1-based): chr1:161,306,139, G>A on the plus strand (C>T on the coding strand, the complement: MPZ is on the minus strand). VCF-style: chr1-161306139-G-A. GRCh37 (hg19) VCF-style: chr1-161275929-G-A.
Other names: c.614C>T, p.Pro205Leu (NM_001315491.2); short protein forms P205L.
Identifiers: ClinVar variation 2849285 (VCV002849285.3), dbSNP rs2526234181, ClinGen allele CA343344809.
Genomic context (GRCh38, chr1:161,306,139, plus strand): 5'-ATCTTGTCTAGGCCCCAAGTCCCGCTAACCTGCCGCCCGCGCTTCGACGCGTCCTTTCCT[G>A]GCTTGTGCAATTTCCCCTTCTCCATAGCACTGCAAGAAGAGAGACTGCTGTACGTTTGGC-3'
Protein context (NP_000521.2, residues 195-215): SAMEKGKLHK[Pro205Leu]GKDASKRGRQ